The following is an entry in ClinVar:

ClinVar aggregate classification (germline): Benign. Review status: criteria provided, multiple submitters, no conflicts (2 of 4 stars). 3 submissions from 3 submitters: Benign (2). 1 of the submissions does not count toward it. Last evaluated 2019-12-31.

Conditions:
NRG1-related disorder. Also called: NRG1-related condition.

Allele frequency attached by ClinVar (database versions not stated): gnomAD exomes 0.00046 and 0.00133; ExAC 0.00158; 1000 Genomes Project 0.00419; gnomAD 0.00478 and 0.00518; 1000 Genomes Project 30x 0.00484; TOPMed 0.00562; ESP Exome Variant Server 0.00569.
gnomAD v4.1: 1,464 of 1,613,998 alleles (0.091%); highest among the groups gnomAD compares: African/African-American, 1.6%; 14 homozygotes.

Submissions (3):

Labcorp Genetics (formerly Invitae), Labcorp
Classification: Benign. Last evaluated: 2019-12-31. Review status: criteria provided, single submitter. Criteria: Invitae Variant Classification Sherloc (09022015). Collection method: clinical testing. Allele origin: germline.

Breakthrough Genomics
Classification: Benign. Review status: criteria provided, single submitter. Criteria: ACMG Guidelines, 2015. Collection method: not provided. Allele origin: germline. Inheritance: Unknown mechanism. Affected: yes.

PreventionGenetics, part of Exact Sciences
Classification: Benign for NRG1-related condition. Last evaluated: 2019-02-27. Review status: no assertion criteria provided. Collection method: clinical testing. Allele origin: germline. Not counted in ClinVar's aggregate classification.
Comment: This variant is classified as benign based on ACMG/AMP sequence variant interpretation guidelines (Richards et al. 2015 PMID: 25741868, with internal and published modifications).

NM_013964.5(NRG1):c.1365C>T (p.Pro455=)

Gene: NRG1 (neuregulin 1; plus strand). Cytogenetic location: 8p12.
Variant type: single nucleotide variant.
Coding change: c.1365C>T on transcript NM_013964.5 (MANE Select); coding-DNA position 1365, C replaced by T.
Protein change: p.Pro455=; no amino-acid change (proline 455 retained).
Molecular consequence: synonymous variant. On other transcripts: 3 prime UTR variant (4).
Genome position (GRCh38, 1-based): chr8:32,763,844, C>T. VCF-style: chr8-32763844-C-T. GRCh37 (hg19) VCF-style: chr8-32621362-C-T.
Other names: c.1266C>T, p.Pro422= (NM_001159995.3); c.*118C>T (NM_001159996.3, NM_001160004.3, NM_001322206.2 and 1 more transcripts); c.1317C>T, p.Pro439= (NM_001159999.3); c.1215C>T, p.Pro405= (NM_001160001.3); c.894C>T, p.Pro298= (NM_001322197.2); c.591C>T, p.Pro197= (NM_001322201.2, NM_001322202.2); c.1545C>T, p.Pro515= (NM_001322205.2); c.1380C>T, p.Pro460= (NM_013956.5); and 2 more.
Identifiers: ClinVar variation 712801 (VCV000712801.7), dbSNP rs115066329, ClinGen allele CA4706133.